The following is an entry in ClinVar:

NM_001042413.2(GLIS3):c.2471A>G (p.His824Arg)

Gene: GLIS3 (GLIS family zinc finger 3; minus strand). Cytogenetic location: 9p24.2.
Variant type: single nucleotide variant.
Coding change: c.2471A>G on transcript NM_001042413.2 (MANE Select); coding-DNA position 2471, A replaced by G.
Protein change: p.His824Arg; replaces histidine 824 with arginine.
Molecular consequence: missense variant.
Genome position (GRCh38, 1-based): chr9:3,856,011, T>C on the plus strand (A>G on the coding strand, the complement: GLIS3 is on the minus strand). VCF-style: chr9-3856011-T-C. GRCh37 (hg19) VCF-style: chr9-3856011-T-C.
Other names: c.2006A>G, p.His669Arg (NM_152629.4); short protein forms H669R, H824R.
Identifiers: ClinVar variation 792905 (VCV000792905.14), dbSNP rs140981222, ClinGen allele CA4967798.
Genomic context (GRCh38, chr9:3,856,011, plus strand): 5'-AAAGCAACAGCACAATGTCACTTTTCAAAACTCAAGGGACTGCCAGCTTCTTGCTTACCA[T>C]GGACATGGATACCATTTGGTTGAAAAGAAGAGTTTGTTTCTGGCTGATAGGACTTCAGGT-3'
Protein context (NP_001035878.1, residues 814-834): SSFQPNGIHV[His824Arg]GFYGQLQKFC

ClinVar aggregate classification (germline): Benign. Review status: criteria provided, multiple submitters, no conflicts (2 of 4 stars). 3 submissions from 3 submitters: Benign (2). 1 of the submissions does not count toward it. Last evaluated 2025-07-09.

Conditions:
Neonatal diabetes mellitus with congenital hypothyroidism. Also called: NDH SYNDROME. Identifiers: Orphanet 79118, MedGen C1857775, MONDO:0012436, OMIM 610199.
GLIS3-related disorder. Also called: GLIS3-related condition.

Allele frequency attached by ClinVar (database versions not stated): TOPMed 0.00023; 1000 Genomes Project 30x 0.00078; 1000 Genomes Project 0.00100.
gnomAD v4.1: 495 of 1,614,152 alleles (0.031%); highest among the groups gnomAD compares: East Asian, 1.1%; 5 homozygotes.

Submissions (3):

Labcorp Genetics (formerly Invitae), Labcorp
Classification: Benign. Last evaluated: 2025-07-09. Review status: criteria provided, single submitter. Criteria: Invitae Variant Classification Sherloc (09022015). Collection method: clinical testing. Allele origin: germline.

Illumina Laboratory Services, Illumina
Classification: Benign for Neonatal diabetes mellitus with congenital hypothyroidism. Last evaluated: 2017-04-27. Review status: criteria provided, single submitter. Criteria: ICSL Variant Classification Criteria 13 December 2019. Collection method: clinical testing. Allele origin: germline.
Comment: This variant was observed as part of a predisposition screen in an ostensibly healthy population. A literature search was performed for the gene, cDNA change, and amino acid change (where applicable). Publications were found based on this search. The evidence from the literature, in combination with allele frequency data from public databases where available, was sufficient to rule this variant out of causing disease. Therefore, this variant is classified as benign.

PreventionGenetics, part of Exact Sciences
Classification: Likely benign for GLIS3-related condition. Last evaluated: 2019-06-14. Review status: no assertion criteria provided. Collection method: clinical testing. Allele origin: germline. Not counted in ClinVar's aggregate classification.
Comment: This variant is classified as likely benign based on ACMG/AMP sequence variant interpretation guidelines (Richards et al. 2015 PMID: 25741868, with internal and published modifications).

Literature cited by the submitters: PubMed 23856252 (cited by Illumina Laboratory Services, Illumina).